The following is an entry in ClinVar:

NM_004385.5(VCAN):c.5843T>C (p.Ile1948Thr)

Genes: VCAN (versican; plus strand), VCAN-AS1 (VCAN antisense RNA 1; minus strand). Cytogenetic location: 5q14.3.
Variant type: single nucleotide variant.
Coding change: c.5843T>C on transcript NM_004385.5 (MANE Select); coding-DNA position 5843, T replaced by C.
Protein change: p.Ile1948Thr; replaces isoleucine 1948 with threonine.
Molecular consequence: missense variant. On other transcripts: intron variant (2).
Genome position (GRCh38, 1-based): chr5:83,538,846, T>C. VCF-style: chr5-83538846-T-C. GRCh37 (hg19) VCF-style: chr5-82834665-T-C.
Other names: c.5843T>C (NM_004385.4); c.2882T>C, p.Ile961Thr (NM_001164097.2); c.4004-6691T>C (NM_001164098.2); c.1043-6691T>C (NM_001126336.3); short protein forms I1948T, I961T.
Identifiers: ClinVar variation 1003039 (VCV001003039.9), dbSNP rs755587066, ClinGen allele CA3333385.

ClinVar aggregate classification (germline): Uncertain significance. Review status: criteria provided, multiple submitters, no conflicts (2 of 4 stars). 2 submissions from 2 submitters: Uncertain significance (2). Last evaluated 2025-09-10.

Conditions:
Inborn genetic diseases. Identifiers: MedGen C0950123, MeSH D030342.

Allele frequency attached by ClinVar (database versions not stated): gnomAD exomes 0.00001 and 0.00002; ExAC 0.00002; gnomAD 0.00003; TOPMed 0.00003.
gnomAD v4.1: 11 of 1,613,866 alleles (0.00068%); highest among the groups gnomAD compares: African/African-American, 0.013%; no homozygotes.

Submissions (2):

Ambry Genetics
Classification: Uncertain significance for Inborn genetic diseases. Last evaluated: 2025-09-10. Review status: criteria provided, single submitter. Criteria: Ambry Variant Classification Scheme 2023. Collection method: clinical testing. Allele origin: germline.

Labcorp Genetics (formerly Invitae), Labcorp
Classification: Uncertain significance. Last evaluated: 2022-08-15. Review status: criteria provided, single submitter. Criteria: Invitae Variant Classification Sherloc (09022015). Collection method: clinical testing. Allele origin: germline.
Comment: This variant is present in population databases (rs755587066, gnomAD 0.02%). This sequence change replaces isoleucine, which is neutral and non-polar, with threonine, which is neutral and polar, at codon 1948 of the VCAN protein (p.Ile1948Thr). In summary, the available evidence is currently insufficient to determine the role of this variant in disease. Therefore, it has been classified as a Variant of Uncertain Significance. Algorithms developed to predict the effect of missense changes on protein structure and function output the following: SIFT: "Tolerated"; PolyPhen-2: "Benign"; Align-GVGD: "Class C0". The threonine amino acid residue is found in multiple mammalian species, which suggests that this missense change does not adversely affect protein function. ClinVar contains an entry for this variant (Variation ID: 1003039). This variant has not been reported in the literature in individuals affected with VCAN-related conditions.